The following is an entry in ClinVar:

NM_014679.5(CEP57):c.746C>G (p.Ala249Gly)

Gene: CEP57 (centrosomal protein 57; plus strand). Cytogenetic location: 11q21.
Variant type: single nucleotide variant.
Coding change: c.746C>G on transcript NM_014679.5 (MANE Select); coding-DNA position 746, C replaced by G.
Protein change: p.Ala249Gly; replaces alanine 249 with glycine.
Molecular consequence: missense variant. On other transcripts: intron variant (5).
Genome position (GRCh38, 1-based): chr11:95,821,917, C>G. VCF-style: chr11-95821917-C-G. GRCh37 (hg19) VCF-style: chr11-95555081-C-G.
Other names: c.719C>G, p.Ala240Gly (NM_001243776.2); c.746C>G, p.Ala249Gly (NM_001243777.2); c.665C>G, p.Ala222Gly (NM_001363604.2, NM_001440869.1, NM_001440870.1); c.583-582C>G (NM_001440879.1); c.582+3013C>G (NM_001440882.1); c.619-582C>G (NM_001440875.1); c.629C>G, p.Ala210Gly (NM_001440872.1, NM_001440876.1); c.566C>G, p.Ala189Gly (NM_001440873.1); and 5 more; short protein forms A162G, A183G, A150G, A189G, A210G, A240G, A222G, A249G.
Identifiers: ClinVar variation 4226355 (VCV004226355.1).

ClinVar aggregate classification (germline): Uncertain significance (1 of 4 stars; one submission).

Conditions:
Inborn genetic diseases. Identifiers: MedGen C0950123, MeSH D030342.

Submission:

Ambry Genetics
Classification: Uncertain significance for Inborn genetic diseases. Last evaluated: 2025-07-19. Review status: criteria provided, single submitter. Criteria: Ambry Variant Classification Scheme 2023. Collection method: clinical testing. Allele origin: germline.
Comment: The p.A249G variant (also known as c.746C>G), located in coding exon 7 of the CEP57 gene, results from a C to G substitution at nucleotide position 746. The alanine at codon 249 is replaced by glycine, an amino acid with similar properties. This amino acid position is conserved. In addition, this alteration is predicted to be tolerated by in silico analysis. Based on the available evidence, the clinical significance of this variant remains unclear.